The following is an entry in ClinVar:

NM_001365951.3(KIF1B):c.4265G>A (p.Arg1422His)

Gene: KIF1B (kinesin family member 1B; plus strand). Cytogenetic location: 1p36.22.
Variant type: single nucleotide variant.
Coding change: c.4265G>A on transcript NM_001365951.3 (MANE Select); coding-DNA position 4265, G replaced by A.
Protein change: p.Arg1422His; replaces arginine 1422 with histidine.
Molecular consequence: missense variant.
Genome position (GRCh38, 1-based): chr1:10,361,786, G>A. VCF-style: chr1-10361786-G-A. GRCh37 (hg19) VCF-style: chr1-10421844-G-A.
Other names: c.4265G>A, p.Arg1422His (NM_001365952.1); c.4127G>A, p.Arg1376His (NM_015074.3); short protein forms R1376H, R1422H.
Identifiers: ClinVar variation 291580 (VCV000291580.59), dbSNP rs149417293, ClinGen allele CA582023.
Genomic context (GRCh38, chr1:10,361,786, plus strand): 5'-AGGATGTGTGCATGGTCTTCTACTCCCGAGATGCCAAGATCTCACCACCACGCTCTCTGC[G>A]TAGCCTCTTTGGCAGCGGCTACTCAAAGTCACCAGATTCGTAAGTTTTTCACACAAGTTA-3'
Protein context (NP_001352880.1, residues 1412-1432): DAKISPPRSL[Arg1422His]SLFGSGYSKS

ClinVar aggregate classification (germline): Uncertain significance. Review status: criteria provided, multiple submitters, no conflicts (2 of 4 stars). 6 submissions from 6 submitters: Uncertain significance (6). Last evaluated 2025-02-26.

Conditions:
Charcot-Marie-Tooth disease type 2. Also called: Charcot-Marie-Tooth type 2. Identifiers: Orphanet 64746, MedGen C0270914, MONDO:0018993.
Neuroblastoma (NB). Identifiers: Orphanet 635, MedGen C0027819, MeSH D009447, MONDO:0005072, HP:0003006.
Neuroblastoma, susceptibility to, 1. Identifiers: MedGen C2749485, MONDO:0009741, OMIM 256700.

Allele frequency attached by ClinVar (database versions not stated): TOPMed 0.00003; gnomAD 0.00006; ESP Exome Variant Server 0.00008.
gnomAD v4.1: 63 of 1,613,950 alleles (0.0039%); highest among the groups gnomAD compares: Non-Finnish European, 0.0047%; no homozygotes.

Submissions (6):

Labcorp Genetics (formerly Invitae), Labcorp
Classification: Uncertain significance for Charcot-Marie-Tooth disease type 2. Last evaluated: 2025-02-26. Review status: criteria provided, single submitter. Criteria: Invitae Variant Classification Sherloc (09022015). Collection method: clinical testing. Allele origin: germline.
Comment: This sequence change replaces arginine, which is basic and polar, with histidine, which is basic and polar, at codon 1376 of the KIF1B protein (p.Arg1376His). This variant is present in population databases (rs149417293, gnomAD 0.006%). This variant has not been reported in the literature in individuals affected with KIF1B-related conditions. ClinVar contains an entry for this variant (Variation ID: 291580). An algorithm developed to predict the effect of missense changes on protein structure and function (PolyPhen-2) suggests that this variant is likely to be disruptive. In summary, the available evidence is currently insufficient to determine the role of this variant in disease. Therefore, it has been classified as a Variant of Uncertain Significance.

Ambry Genetics
Classification: Uncertain significance. Last evaluated: 2024-09-30. Review status: criteria provided, single submitter. Criteria: Ambry Variant Classification Scheme 2023. Collection method: clinical testing. Allele origin: germline.
Comment: The p.R1376H variant (also known as c.4127G>A), located in coding exon 37 of the KIF1B gene, results from a G to A substitution at nucleotide position 4127. The arginine at codon 1376 is replaced by histidine, an amino acid with highly similar properties. This amino acid position is highly conserved in available vertebrate species. In addition, the in silico prediction for this alteration is inconclusive. The evidence for this gene-disease relationship is limited; therefore, the clinical significance of this alteration is unclear.

St. Jude Molecular Pathology, St. Jude Children's Research Hospital
Classification: Uncertain significance for Neuroblastoma, susceptibility to, 1. Last evaluated: 2024-04-03. Review status: criteria provided, single submitter. Criteria: St. Jude Assertion Criteria 2020. Collection method: clinical testing. Allele origin: germline.
Comment: The KIF1B c.4127G>A (p.Arg1376His) missense change has a maximum subpopulation frequency of 0.005% in gnomAD v2.1.1. The in silico tool REVEL is inconclusive about a pathogenic or benign effect of this variant on protein function, and to our knowledge functional studies have not been performed. To our knowledge, this variant has not been reported in individuals with pheochromocytoma or neuroblastoma. In summary, the evidence currently available is insufficient to determine the clinical significance of this variant. It has therefore been classified as of uncertain significance.

Institute for Clinical Genetics, University Hospital TU Dresden, University Hospital TU Dresden
Classification: Uncertain significance. Last evaluated: 2021-11-03. Review status: criteria provided, single submitter. Criteria: ACMG Guidelines, 2015. Collection method: clinical testing. Allele origin: germline.

Illumina Laboratory Services, Illumina
Classification: Uncertain significance for Neuroblastoma. Last evaluated: 2018-01-13. Review status: criteria provided, single submitter. Criteria: ICSL Variant Classification Criteria 13 December 2019. Collection method: clinical testing. Allele origin: germline.

CeGaT Center for Human Genetics Tuebingen
Classification: Uncertain significance. Last evaluated: 2016-06-01. Review status: criteria provided, single submitter. Criteria: CeGaT Center For Human Genetics Tuebingen Variant Classification Criteria Version 2. Collection method: clinical testing. Allele origin: germline. Affected: yes. Observed: 1 variant allele.